The following is an entry in ClinVar:

NM_002335.4(LRP5):c.1882C>T (p.Pro628Ser)

Gene: LRP5 (LDL receptor related protein 5; plus strand). Cytogenetic location: 11q13.2.
Variant type: single nucleotide variant.
Coding change: c.1882C>T on transcript NM_002335.4 (MANE Select); coding-DNA position 1882, C replaced by T.
Protein change: p.Pro628Ser; replaces proline 628 with serine.
Molecular consequence: missense variant.
Genome position (GRCh38, 1-based): chr11:68,406,604, C>T. VCF-style: chr11-68406604-C-T. GRCh37 (hg19) VCF-style: chr11-68174072-C-T.
Other names: c.139C>T, p.Pro47Ser (NM_001291902.2); short protein forms P47S, P628S.
Identifiers: ClinVar variation 3066172 (VCV003066172.1), dbSNP rs2098655833, ClinGen allele CA381615486.
Genomic context (GRCh38, chr11:68,406,604, plus strand): 5'-AGGAACGGGGGGTGCAGCCACCTGTGCTTCTTCACACCCCACGCAACCCGGTGTGGCTGC[C>T]CCATCGGCCTGGAGCTGCTGAGTGACATGAAGACCTGCATCGTGCCTGAGGCCTTCTTGG-3'
Protein context (NP_002326.2, residues 618-638): FTPHATRCGC[Pro628Ser]IGLELLSDMK

ClinVar aggregate classification (germline): Uncertain significance (1 of 4 stars; one submission).

Conditions:
Polycystic liver disease 4 with or without kidney cysts. Identifiers: MedGen C4693479, MONDO:0044327, OMIM 617875.

Submission:

MVZ Medizinische Genetik Mainz
Classification: Uncertain significance for Polycystic liver disease 4 with or without kidney cysts. Last evaluated: 2021-09-24. Review status: criteria provided, single submitter. Criteria: UK Practice Guidelines For Variant Classification V4 01 2020. Collection method: clinical testing. Allele origin: germline. Inheritance: Autosomal dominant inheritance. Affected: yes. Observed: 1 variant allele.
Comment: ACMG Criteria: PM2_SUP, PP3 (ACMG Version 3)